The following is an entry in ClinVar:

ClinVar aggregate classification (germline): Uncertain significance (1 of 4 stars; one submission).

Submission:

GeneDx
Classification: Uncertain significance. Last evaluated: 2022-09-19. Review status: criteria provided, single submitter. Criteria: GeneDx Variant Classification Process June 2021. Collection method: clinical testing. Allele origin: germline. Affected: yes.
Comment: Not observed at significant frequency in large population cohorts (gnomAD); In silico analysis supports that this missense variant has a deleterious effect on protein structure/function; Has not been previously published as pathogenic or benign to our knowledge

NM_001393504.1(MAST3):c.1309C>A (p.Gln437Lys)

Gene: MAST3 (microtubule associated serine/threonine kinase 3; plus strand). Cytogenetic location: 19p13.11.
Variant type: single nucleotide variant.
Coding change: c.1309C>A on transcript NM_001393504.1 (MANE Select); coding-DNA position 1309, C replaced by A.
Protein change: p.Gln437Lys; replaces glutamine 437 with lysine.
Molecular consequence: missense variant.
Genome position (GRCh38, 1-based): chr19:18,130,579, C>A. VCF-style: chr19-18130579-C-A. GRCh37 (hg19) VCF-style: chr19-18241389-C-A.
Other names: c.1333C>A, p.Gln445Lys (NM_001393501.1); c.1312C>A, p.Gln438Lys (NM_001393502.1); c.1309C>A, p.Gln437Lys (NM_001393503.1); c.1306C>A, p.Gln436Lys (NM_001393505.1); c.1261C>A, p.Gln421Lys (NM_001393506.1, NM_001393513.1); c.1288C>A, p.Gln430Lys (NM_001393507.1); c.1243C>A, p.Gln415Lys (NM_001393508.1, NM_001393516.1); c.1240C>A, p.Gln414Lys (NM_001393509.1, NM_001393510.1, NM_001393512.1 and 2 more transcripts); and 4 more; short protein forms Q399K, Q407K, Q408K, Q413K, Q414K, Q415K, Q421K, Q430K.
Identifiers: ClinVar variation 2498051 (VCV002498051.1), dbSNP rs2513111951, ClinGen allele CA404810807.